The following is an entry in ClinVar:

NM_001017420.3(ESCO2):c.1614C>G (p.Ile538Met)

Gene: ESCO2 (establishment of sister chromatid cohesion N-acetyltransferase 2; plus strand). Cytogenetic location: 8p21.1.
Variant type: single nucleotide variant.
Coding change: c.1614C>G on transcript NM_001017420.3 (MANE Select); coding-DNA position 1614, C replaced by G.
Protein change: p.Ile538Met; replaces isoleucine 538 with methionine.
Molecular consequence: missense variant.
Genome position (GRCh38, 1-based): chr8:27,799,657, C>G. VCF-style: chr8-27799657-C-G. GRCh37 (hg19) VCF-style: chr8-27657174-C-G.
Other names: short protein forms I538M.
Identifiers: ClinVar variation 2559542 (VCV002559542.3), dbSNP rs1805381423, ClinGen allele CA370827390.
Genomic context (GRCh38, chr8:27,799,657, plus strand): 5'-TCCTAGGGCTTGGCAATGTTCAGATGTACCAGAACCTGCAGTCTGTGGGATAAGTAGAAT[C>G]TGGGTTTTCAGACTGAAGAGAAGAAAGCGCATTGCAAGACGACTGGTTGATACCCTCAGG-3'
Protein context (NP_001017420.1, residues 528-548): PEPAVCGISR[Ile538Met]WVFRLKRRKR

ClinVar aggregate classification (germline): Uncertain significance. Review status: criteria provided, single submitter (1 of 4 stars). 2 submissions from 2 submitters: Uncertain significance (1). 1 of the submissions does not count toward it. Last evaluated 2023-06-12.

Conditions:
Inborn genetic diseases. Identifiers: MedGen C0950123, MeSH D030342.
ESCO2-related disorder. Also called: ESCO2-related condition.

Allele frequency attached by ClinVar (database versions not stated): gnomAD exomes below 0.00001.
gnomAD v4.1: 5 of 1,613,802 alleles (0.00031%); highest among the groups gnomAD compares: Non-Finnish European, 0.00042%; no homozygotes.

Submissions (2):

Ambry Genetics
Classification: Uncertain significance for Inborn genetic diseases. Last evaluated: 2023-06-12. Review status: criteria provided, single submitter. Criteria: Ambry Variant Classification Scheme 2023. Collection method: clinical testing. Allele origin: germline.

PreventionGenetics, part of Exact Sciences
Classification: Uncertain significance for ESCO2-related condition. Last evaluated: 2024-03-05. Review status: no assertion criteria provided. Collection method: clinical testing. Allele origin: germline. Not counted in ClinVar's aggregate classification.
Comment: The ESCO2 c.1614C>G variant is predicted to result in the amino acid substitution p.Ile538Met. To our knowledge, this variant has not been reported in the literature or in a large population database, indicating this variant is rare. At this time, the clinical significance of this variant is uncertain due to the absence of conclusive functional and genetic evidence.